The following is an entry in ClinVar:

ClinVar aggregate classification (germline): Uncertain significance (1 of 4 stars; one submission).

Conditions:
RASopathy. Also called: rasopathies; Noonan spectrum disorder. Identifiers: Orphanet 536391, MedGen C5555857, MONDO:0021060.

Submission:

Labcorp Genetics (formerly Invitae), Labcorp
Classification: Uncertain significance for RASopathy. Last evaluated: 2018-08-17. Review status: criteria provided, single submitter. Criteria: Invitae Variant Classification Sherloc (09022015). Collection method: clinical testing. Allele origin: germline.
Comment: This variant is a gross deletion of the genomic region encompassing exon 5 of the KRAS gene. The 5' boundary is likely confined to intron 4. The 3' end of this event is unknown as it extends through the termination codon beyond the assayed region for this gene and may encompass additional genes. While this deletion is not anticipated to result in nonsense mediated decay, it is expected to create a truncated protein product or disrupt mRNA translation. This variant has not been reported in the literature in individuals with KRAS-related disease. In summary, the available evidence is currently insufficient to determine the role of this variant in disease. Therefore, it has been classified as a Variant of Uncertain Significance.

NC_000012.12:g.(?_25209775)_(25209931_?)del

Gene: KRAS (KRAS proto-oncogene, GTPase; minus strand). Cytogenetic location: 12p12.1.
Variant type: Deletion.
Identifiers: ClinVar variation 645362 (VCV000645362.6).